The following is an entry in ClinVar:

ClinVar aggregate classification (germline): Uncertain significance. Review status: criteria provided, multiple submitters, no conflicts (2 of 4 stars). 3 submissions from 3 submitters: Uncertain significance (2). 1 of the submissions does not count toward it. Last evaluated 2026-06-10.

Conditions:
CEL-related disorder. Also called: CEL-related condition.
Inborn genetic diseases. Identifiers: MedGen C0950123, MeSH D030342.

Allele frequency attached by ClinVar (database versions not stated): ExAC 0.00001; gnomAD exomes 0.00001; TOPMed 0.00001.
gnomAD v4.1: 3 of 1,613,952 alleles (0.00019%); highest among the groups gnomAD compares: Non-Finnish European, 0.00025%; no homozygotes.

Submissions (3):

GeneDx
Classification: Uncertain significance. Last evaluated: 2026-06-10. Review status: criteria provided, single submitter. Criteria: GeneDx Variant Classification Process June 2021. Collection method: clinical testing. Allele origin: germline.
Comment: Not observed at significant frequency in large population cohorts (gnomAD); In silico analysis supports that this missense variant has a deleterious effect on protein structure/function; In silico analysis suggests this variant may impact gene splicing. In the absence of RNA/functional studies, the actual effect of this sequence change is unknown.; Has not been previously published as pathogenic or benign to our knowledge

Ambry Genetics
Classification: Uncertain significance for Inborn genetic diseases. Last evaluated: 2025-10-02. Review status: criteria provided, single submitter. Criteria: Ambry Variant Classification Scheme 2023. Collection method: clinical testing. Allele origin: germline.

PreventionGenetics, part of Exact Sciences
Classification: Uncertain significance for CEL-related condition. Last evaluated: 2024-02-17. Review status: no assertion criteria provided. Collection method: clinical testing. Allele origin: germline. Not counted in ClinVar's aggregate classification.
Comment: The CEL c.448G>A variant is predicted to result in the amino acid substitution p.Gly150Ser. To our knowledge, this variant has not been reported in the literature. This variant is reported in 0.00088% of alleles in individuals of European (Non-Finnish) descent in gnomAD. At this time, the clinical significance of this variant is uncertain due to the absence of conclusive functional and genetic evidence.

NM_001807.6(CEL):c.439G>A (p.Gly147Ser)

Gene: CEL (carboxyl ester lipase; plus strand). Cytogenetic location: 9q34.13.
Variant type: single nucleotide variant.
Coding change: c.439G>A on transcript NM_001807.6 (MANE Select); coding-DNA position 439, G replaced by A.
Protein change: p.Gly147Ser; replaces glycine 147 with serine.
Molecular consequence: missense variant.
Genome position (GRCh38, 1-based): chr9:133,065,138, G>A. VCF-style: chr9-133065138-G-A. GRCh37 (hg19) VCF-style: chr9-135940525-G-A.
Other names: c.448G>A (NM_001807.3); short protein forms G147S.
Identifiers: ClinVar variation 3050766 (VCV003050766.5), dbSNP rs778447237, ClinGen allele CA5303001.
Genomic context (GRCh38, chr9:133,065,138, plus strand): 5'-GGCGCCTTCCTCATGGGGTCCGGCCATGGGGCCAACTTCCTCAACAACTACCTGTATGAC[G>A]GCGAGGAGATCGCCACACGCGGAAACGTCATCGTGGTCACCTTCAACTACCGTGTCGGCC-3'
Protein context (NP_001798.3, residues 137-157): ANFLNNYLYD[Gly147Ser]EEIATRGNVI